The following is an entry in ClinVar:

NM_007194.4(CHEK2):c.1440C>T (p.Ala480=)

Gene: CHEK2 (checkpoint kinase 2; minus strand). Cytogenetic location: 22q12.1.
Variant type: single nucleotide variant.
Coding change: c.1440C>T on transcript NM_007194.4 (MANE Select); coding-DNA position 1440, C replaced by T.
Protein change: p.Ala480=; no amino-acid change (alanine 480 retained).
Molecular consequence: synonymous variant.
Genome position (GRCh38, 1-based): chr22:28,694,053, G>A on the plus strand (C>T on the coding strand, the complement: CHEK2 is on the minus strand). VCF-style: chr22-28694053-G-A. GRCh37 (hg19) VCF-style: chr22-29090041-G-A.
Other names: c.1569C>T, p.Ala523= (NM_001005735.3); c.777C>T, p.Ala259= (NM_001257387.3); c.1239C>T, p.Ala413= (NM_001349956.3); c.1353C>T, p.Ala451= (NM_145862.3).
Identifiers: ClinVar variation 3772739 (VCV003772739.1).

ClinVar aggregate classification (germline): Benign (1 of 4 stars; one submission).

Conditions:
Familial cancer of breast. Also called: Hereditary breast cancer; BREAST CANCER, FAMILIAL; hereditary breast carcinoma. Identifiers: Orphanet 227535, MedGen C0346153, MONDO:0016419, OMIM 114480. Disease mechanism: loss of function.

Submission:

Myriad Genetics, Inc.
Classification: Benign for Familial cancer of breast. Last evaluated: 2024-10-08. Review status: criteria provided, single submitter. Criteria: Myriad Autosomal Dominant, Autosomal Recessive and X-Linked Classification Criteria (2023). Collection method: clinical testing. Allele origin: unknown.
Comment: This variant is considered benign. This variant is a silent/synonymous amino acid change and it is not expected to impact splicing.